The following is an entry in ClinVar:

NM_000530.8(MPZ):c.459G>C (p.Arg153Ser)

Gene: MPZ (myelin protein zero; minus strand). Cytogenetic location: 1q23.3.
Variant type: single nucleotide variant.
Coding change: c.459G>C on transcript NM_000530.8 (MANE Select); coding-DNA position 459, G replaced by C.
Protein change: p.Arg153Ser; replaces arginine 153 with serine.
Molecular consequence: missense variant.
Genome position (GRCh38, 1-based): chr1:161,306,454, C>G on the plus strand (G>C on the coding strand, the complement: MPZ is on the minus strand). VCF-style: chr1-161306454-C-G. GRCh37 (hg19) VCF-style: chr1-161276244-C-G.
Other names: c.459G>C, p.Arg153Ser (NM_001315491.2); short protein forms R153S.
Identifiers: ClinVar variation 3712429 (VCV003712429.2).

ClinVar aggregate classification (germline): Uncertain significance (1 of 4 stars; one submission).

Conditions:
Charcot-Marie-Tooth disease, type I (CMT1). Also called: Charcot-Marie-Tooth, Type 1; Charcot-Marie-Tooth disease type 1. Identifiers: Orphanet 65753, MedGen C0751036, MONDO:0019011.

gnomAD v4.1: 2 of 1,614,230 alleles (0.00012%); highest among the groups gnomAD compares: Non-Finnish European, 0.00017%; no homozygotes.

Submission:

Labcorp Genetics (formerly Invitae), Labcorp
Classification: Uncertain significance for Charcot-Marie-Tooth disease, type I. Last evaluated: 2024-02-29. Review status: criteria provided, single submitter. Criteria: Invitae Variant Classification Sherloc (09022015). Collection method: clinical testing. Allele origin: germline.
Comment: This sequence change replaces arginine, which is basic and polar, with serine, which is neutral and polar, at codon 153 of the MPZ protein (p.Arg153Ser). This variant is not present in population databases (gnomAD no frequency). This variant has not been reported in the literature in individuals affected with MPZ-related conditions. Advanced modeling of protein sequence and biophysical properties (such as structural, functional, and spatial information, amino acid conservation, physicochemical variation, residue mobility, and thermodynamic stability) performed at Invitae indicates that this missense variant is not expected to disrupt MPZ protein function with a negative predictive value of 80%. In summary, the available evidence is currently insufficient to determine the role of this variant in disease. Therefore, it has been classified as a Variant of Uncertain Significance.